The following is an entry in ClinVar:

NM_015506.3(MMACHC):c.276G>A (p.Glu92=)

Gene: MMACHC (metabolism of cobalamin associated C; plus strand). Cytogenetic location: 1p34.1.
Variant type: single nucleotide variant.
Coding change: c.276G>A on transcript NM_015506.3 (MANE Select); coding-DNA position 276, G replaced by A.
Protein change: p.Glu92=; no amino-acid change (glutamic acid 92 retained).
Molecular consequence: synonymous variant.
Genome position (GRCh38, 1-based): chr1:45,507,550, G>A. VCF-style: chr1-45507550-G-A. GRCh37 (hg19) VCF-style: chr1-45973222-G-A.
Other names: E92E; c.105G>A, p.Glu35= (NM_001330540.2).
Identifiers: ClinVar variation 161118 (VCV000161118.14), dbSNP rs556977618, ClinGen allele CA272840.
Genomic context (GRCh38, chr1:45,507,550, plus strand): 5'-CCGAATGCTGACTGACCCAGTGGACCAGTGTGTGGCCTACCATCTGGGCCGTGTTAGAGA[G>A]GTGAGGAAGGCTCAGTTTTCCCCCAGCTCCCAAACCTACAGCTGCCTCCAGTTCCTCCAC-3'
Protein context (NP_056321.2, residues 82-102): CVAYHLGRVR[Glu92=]SLPELQIEII

ClinVar aggregate classification (germline): Likely pathogenic. Review status: criteria provided, multiple submitters, no conflicts (2 of 4 stars). 3 submissions from 3 submitters: Likely pathogenic (2). 1 of the submissions does not count toward it. Last evaluated 2024-03-01.

Conditions:
Cobalamin C disease. Also called: Cobalamin-C methylmalonic acidemia and homocystinuria; Methylmalonic acidemia and homocystinuria cblC type; Methylmalonic aciduria and homocystinuria, Vitamin B12-responsive; Vitamin B12 metabolic defect with combined deficiency of methylmalonyl-CoA mutase and homocysteine:methyltetrahydrofolate methyltransferase; methylmalonic aciduria and homocystinuria type cblC; Methylmalonic aciduria with homocystinuria cblC type. Identifiers: Orphanet 26, Orphanet 79282, MedGen C1848561, MONDO:0010184, OMIM 277400.

gnomAD v4.1: 4 of 1,614,052 alleles (0.00025%); highest among the groups gnomAD compares: Non-Finnish European, 0.00034%; no homozygotes.

Submissions (3):

Fulgent Genetics
Classification: Likely pathogenic for Cobalamin C disease. Last evaluated: 2024-03-01. Review status: criteria provided, single submitter. Criteria: ACMG Guidelines, 2015. Collection method: clinical testing. Allele origin: germline.

Labcorp Genetics (formerly Invitae), Labcorp
Classification: Likely pathogenic for Cobalamin C disease. Last evaluated: 2023-12-01. Review status: criteria provided, single submitter. Criteria: Invitae Variant Classification Sherloc (09022015). Collection method: clinical testing. Allele origin: germline.
Comment: This sequence change affects codon 92 of the MMACHC mRNA. It is a 'silent' change, meaning that it does not change the encoded amino acid sequence of the MMACHC protein. This variant also falls at the last nucleotide of exon 2, which is part of the consensus splice site for this exon. This variant is not present in population databases (gnomAD no frequency). This variant has been observed in individual(s) with MMACHC-related conditions (PMID: 23837176). ClinVar contains an entry for this variant (Variation ID: 161118). Variants that disrupt the consensus splice site are a relatively common cause of aberrant splicing (PMID: 17576681, 9536098). Algorithms developed to predict the effect of sequence changes on RNA splicing suggest that this variant may disrupt the consensus splice site. This variant disrupts the c.276G nucleotide in the MMACHC gene. Other variant(s) that disrupt this nucleotide have been determined to be pathogenic (PMID: 20652818, 23837176, 25894566). This suggests that this nucleotide is clinically significant, and that variants that disrupt this position are likely to be disease-causing. In summary, the currently available evidence indicates that the variant is pathogenic, but additional data are needed to prove that conclusively. Therefore, this variant has been classified as Likely Pathogenic.

OMIM
Classification: Pathogenic for METHYLMALONIC ACIDURIA AND HOMOCYSTINURIA, cblC TYPE. Last evaluated: 2013-08-01. Review status: no assertion criteria provided. Collection method: literature only. Allele origin: germline. Not counted in ClinVar's aggregate classification.

Literature cited by the submitters: PubMed 23837176 (cited by Labcorp Genetics (formerly Invitae), Labcorp and OMIM); PubMed 17576681 (cited by Labcorp Genetics (formerly Invitae), Labcorp); PubMed 9536098 (cited by Labcorp Genetics (formerly Invitae), Labcorp); PubMed 20652818 (cited by Labcorp Genetics (formerly Invitae), Labcorp); PubMed 25894566 (cited by Labcorp Genetics (formerly Invitae), Labcorp).